The following is an entry in ClinVar:

ClinVar aggregate classification (germline): Likely benign. Review status: criteria provided, multiple submitters, no conflicts (2 of 4 stars). 6 submissions from 6 submitters: Likely benign (5). 1 of the submissions does not count toward it. Last evaluated 2026-01-31.

Conditions:
Colorectal cancer, susceptibility to, 12 (CRCS12). Also called: COLORECTAL CANCER, SUSCEPTIBILITY TO, ON CHROMOSOME 12q24. Identifiers: Orphanet 220460, MedGen C3554460, MONDO:0014038, OMIM 615083.

Allele frequency attached by ClinVar (database versions not stated): ESP Exome Variant Server 0.00015; 1000 Genomes Project 30x 0.00016; TOPMed 0.00018; gnomAD 0.00019.
gnomAD v4.1: 301 of 1,604,940 alleles (0.019%); highest among the groups gnomAD compares: Non-Finnish European, 0.021%; no homozygotes.

Submissions (6):

Labcorp Genetics (formerly Invitae), Labcorp
Classification: Likely benign. Last evaluated: 2026-01-31. Review status: criteria provided, single submitter. Criteria: Invitae Variant Classification Sherloc (09022015). Collection method: clinical testing. Allele origin: germline.

Center for Genomic Medicine, Rigshospitalet, Copenhagen University Hospital
Classification: Likely benign. Last evaluated: 2025-03-04. Review status: criteria provided, single submitter. Criteria: ACMG Guidelines, 2015. Collection method: clinical testing. Allele origin: germline.

Blueprint Genetics
Classification: Likely benign. Last evaluated: 2024-11-25. Review status: criteria provided, single submitter. Criteria: ACMG Guidelines, 2015. Collection method: clinical testing. Allele origin: germline.

ARUP Laboratories, Molecular Genetics and Genomics, ARUP Laboratories
Classification: Likely benign. Last evaluated: 2019-04-02. Review status: criteria provided, single submitter. Criteria: ARUP Molecular Germline Variant Investigation Process. Collection method: clinical testing. Allele origin: germline.

GeneDx
Classification: Likely benign. Last evaluated: 2017-12-04. Review status: criteria provided, single submitter. Criteria: GeneDx Variant Classification (06012015). Collection method: clinical testing. Allele origin: germline. Affected: yes.
Comment: This variant is considered likely benign or benign based on one or more of the following criteria: it is a conservative change, it occurs at a poorly conserved position in the protein, it is predicted to be benign by multiple in silico algorithms, and/or has population frequency not consistent with disease.

Counsyl
Classification: Likely benign for Colorectal cancer, susceptibility to, 12. Last evaluated: 2016-10-06. Review status: no assertion criteria provided. Collection method: clinical testing. Allele origin: unknown. Not counted in ClinVar's aggregate classification.

NM_006231.4(POLE):c.6532-19G>T

Gene: POLE (DNA polymerase epsilon, catalytic subunit; minus strand). Cytogenetic location: 12q24.33.
Variant type: single nucleotide variant.
Coding change: c.6532-19G>T on transcript NM_006231.4 (MANE Select); 19 bases into the intron before coding-DNA position 6532, G replaced by T.
Molecular consequence: intron variant.
Genome position (GRCh38, 1-based): chr12:132,625,789, C>A on the plus strand (G>T on the coding strand, the complement: POLE is on the minus strand). VCF-style: chr12-132625789-C-A. GRCh37 (hg19) VCF-style: chr12-133202375-C-A.
Identifiers: ClinVar variation 372002 (VCV000372002.26), dbSNP rs201114228, ClinGen allele CA6892140.